The following is an entry in ClinVar:

ClinVar aggregate classification (germline): Likely pathogenic (0 of 4 stars; one submission).

Conditions:
NOG-related disorder. Also called: NOG-related condition; NOG-related disorders.

Submission:

PreventionGenetics, part of Exact Sciences
Classification: Likely pathogenic for NOG-related condition. Last evaluated: 2023-11-29. Review status: no assertion criteria provided. Collection method: clinical testing. Allele origin: germline.
Comment: The NOG c.450G>A variant is predicted to result in premature protein termination (p.Trp150*). To our knowledge, this variant has not been reported in the literature or in a large population database, indicating this variant is rare. Nonsense variants in NOG are expected to be pathogenic. This variant is interpreted as likely pathogenic.

NM_005450.6(NOG):c.450G>A (p.Trp150Ter)

Gene: NOG (noggin; plus strand). Cytogenetic location: 17q22.
Variant type: single nucleotide variant.
Coding change: c.450G>A on transcript NM_005450.6 (MANE Select); coding-DNA position 450, G replaced by A.
Protein change: p.Trp150Ter; replaces tryptophan 150 with a stop codon.
Molecular consequence: nonsense.
Genome position (GRCh38, 1-based): chr17:56,594,673, G>A. VCF-style: chr17-56594673-G-A. GRCh37 (hg19) VCF-style: chr17-54672034-G-A.
Other names: short protein forms W150*.
Identifiers: ClinVar variation 3030517 (VCV003030517.2), dbSNP rs2545137784, ClinGen allele CA399966173.